The following is an entry in ClinVar:

ClinVar aggregate classification (germline): Uncertain significance. Review status: criteria provided, multiple submitters, no conflicts (2 of 4 stars). 2 submissions from 2 submitters: Uncertain significance (2). Last evaluated 2024-10-22.

Conditions:
Developmental and epileptic encephalopathy 94 (DEE94). Also called: Epileptic encephalopathy, childhood-onset; CHD2-Related Neurodevelopmental Disorders. Identifiers: Orphanet 1942, Orphanet 2382, MedGen C3809278, MONDO:0014150, OMIM 615369.

Allele frequency attached by ClinVar (database versions not stated): gnomAD exomes below 0.00001; ExAC 0.00001.
gnomAD v4.1: 4 of 1,613,260 alleles (0.00025%); highest among the groups gnomAD compares: South Asian, 0.0044%; no homozygotes.

Submissions (2):

Labcorp Genetics (formerly Invitae), Labcorp
Classification: Uncertain significance for Developmental and epileptic encephalopathy 94. Last evaluated: 2024-10-22. Review status: criteria provided, single submitter. Criteria: Invitae Variant Classification Sherloc (09022015). Collection method: clinical testing. Allele origin: germline.
Comment: This sequence change replaces asparagine, which is neutral and polar, with aspartic acid, which is acidic and polar, at codon 1371 of the CHD2 protein (p.Asn1371Asp). This variant is present in population databases (rs745311012, gnomAD 0.003%). This variant has not been reported in the literature in individuals affected with CHD2-related conditions. ClinVar contains an entry for this variant (Variation ID: 1038971). Invitae Evidence Modeling of protein sequence and biophysical properties (such as structural, functional, and spatial information, amino acid conservation, physicochemical variation, residue mobility, and thermodynamic stability) indicates that this missense variant is not expected to disrupt CHD2 protein function with a negative predictive value of 95%. In summary, the available evidence is currently insufficient to determine the role of this variant in disease. Therefore, it has been classified as a Variant of Uncertain Significance.

Revvity Omics, Revvity
Classification: Uncertain significance for Developmental and epileptic encephalopathy 94. Last evaluated: 2022-12-26. Review status: criteria provided, single submitter. Criteria: ACMG Guidelines, 2015. Collection method: clinical testing. Allele origin: germline.

NM_001271.4(CHD2):c.4111A>G (p.Asn1371Asp)

Gene: CHD2 (chromodomain helicase DNA binding protein 2; plus strand). Cytogenetic location: 15q26.1.
Variant type: single nucleotide variant.
Coding change: c.4111A>G on transcript NM_001271.4 (MANE Select); coding-DNA position 4111, A replaced by G.
Protein change: p.Asn1371Asp; replaces asparagine 1371 with aspartic acid.
Molecular consequence: missense variant.
Genome position (GRCh38, 1-based): chr15:93,000,614, A>G. VCF-style: chr15-93000614-A-G. GRCh37 (hg19) VCF-style: chr15-93543844-A-G.
Other names: short protein forms N1371D.
Identifiers: ClinVar variation 1038971 (VCV001038971.11), dbSNP rs745311012, ClinGen allele CA7748373.